The following is an entry in ClinVar:

NM_004897.5(MINPP1):c.933+34T>A

Gene: MINPP1 (multiple inositol-polyphosphate phosphatase 1; plus strand). Cytogenetic location: 10q23.2.
Variant type: single nucleotide variant.
Coding change: c.933+34T>A on transcript NM_004897.5 (MANE Select); 34 bases into the intron after coding-DNA position 933, T replaced by A.
Molecular consequence: intron variant.
Genome position (GRCh38, 1-based): chr10:87,513,255, T>A. VCF-style: chr10-87513255-T-A. GRCh37 (hg19) VCF-style: chr10-89273012-T-A.
Other names: IVS3, T-A, +34; c.835+4722T>A (NM_001178117.2); c.330+34T>A (NM_001178118.2).
Identifiers: ClinVar variation 1272034 (VCV001272034.3), dbSNP rs41299159, ClinGen allele CA5589144.

ClinVar aggregate classification (germline): Benign. Review status: criteria provided, multiple submitters, no conflicts (2 of 4 stars). 3 submissions from 3 submitters: Benign (2). 1 of the submissions does not count toward it. Last evaluated 2020-10-21.

Conditions:
Thyroid adenoma. Identifiers: MedGen C5848090, HP:0000854.

Allele frequency attached by ClinVar (database versions not stated): 1000 Genomes Project 0.10104; ExAC 0.14423; gnomAD 0.12000 and 0.12147; ESP Exome Variant Server 0.07665; TOPMed 0.12345; gnomAD exomes 0.14233 and 0.15890.
gnomAD v4.1: 240,174 of 1,549,430 alleles (16%); highest among the groups gnomAD compares: South Asian, 17%; 19,919 homozygotes.

Submissions (3):

GeneDx
Classification: Benign. Last evaluated: 2020-10-21. Review status: criteria provided, single submitter. Criteria: GeneDx Variant Classification Process June 2021. Collection method: clinical testing. Allele origin: germline. Affected: yes.
Comment: This variant is associated with the following publications: (PMID: 11297621)

Breakthrough Genomics
Classification: Benign. Review status: criteria provided, single submitter. Criteria: ACMG Guidelines, 2015. Collection method: not provided. Allele origin: germline. Inheritance: Autosomal recessive inheritance. Affected: yes.

OMIM
Classification: Pathogenic for THYROID ADENOMA, FOLLICULAR. Last evaluated: 2001-04-01. Review status: no assertion criteria provided. Collection method: literature only. Allele origin: germline. Not counted in ClinVar's aggregate classification.

Literature cited by the submitters: PubMed 11297621 (cited by OMIM).